The following is an entry in ClinVar:

NM_000179.3(MSH6):c.2360C>T (p.Ala787Val)

Gene: MSH6 (mutS homolog 6; plus strand). Cytogenetic location: 2p16.3.
Variant type: single nucleotide variant.
Coding change: c.2360C>T on transcript NM_000179.3 (MANE Select); coding-DNA position 2360, C replaced by T.
Protein change: p.Ala787Val; replaces alanine 787 with valine.
Molecular consequence: missense variant.
Genome position (GRCh38, 1-based): chr2:47,800,343, C>T. VCF-style: chr2-47800343-C-T. GRCh37 (hg19) VCF-style: chr2-48027482-C-T.
Other names: c.1970C>T, p.Ala657Val (NM_001281492.2); c.1454C>T, p.Ala485Val (NM_001281493.2, NM_001281494.2); short protein forms A787V, A657V, A485V.
Identifiers: ClinVar variation 1790155 (VCV001790155.2), dbSNP rs63750637, ClinGen allele CA010113.

ClinVar aggregate classification (germline): Uncertain significance (1 of 4 stars; one submission).

Conditions:
Hereditary cancer-predisposing syndrome. Also called: Hereditary Cancer Syndrome; Hereditary neoplastic syndrome; Tumor predisposition; Neoplastic Syndromes, Hereditary. Identifiers: Orphanet 140162, MedGen C0027672, MeSH D009386, MONDO:0015356.

Allele frequency attached by ClinVar (database versions not stated): gnomAD exomes below 0.00001.
gnomAD v4.1: 1 of 1,614,076 alleles (0.000062%); highest among the groups gnomAD compares: Non-Finnish European, 0.000085%; no homozygotes.

Submission:

Ambry Genetics
Classification: Uncertain significance for Hereditary cancer-predisposing syndrome. Last evaluated: 2021-01-15. Review status: criteria provided, single submitter. Criteria: Ambry Variant Classification Scheme 2023. Collection method: clinical testing. Allele origin: germline.
Comment: The p.A787V variant (also known as c.2360C>T), located in coding exon 4 of the MSH6 gene, results from a C to T substitution at nucleotide position 2360. The alanine at codon 787 is replaced by valine, an amino acid with similar properties. This amino acid position is poorly conserved in available vertebrate species. In addition, this alteration is predicted to be tolerated by in silico analysis. Since supporting evidence is limited at this time, the clinical significance of this alteration remains unclear.

Literature cited by the submitters: PubMed 15483016; PubMed 18301448.